The following is an entry in ClinVar:

NM_001009944.3(PKD1):c.7204C>T (p.Arg2402Ter)

Gene: PKD1 (polycystin 1, transient receptor potential channel interacting; minus strand). Cytogenetic location: 16p13.3.
Variant type: single nucleotide variant.
Coding change: c.7204C>T on transcript NM_001009944.3 (MANE Select); coding-DNA position 7204, C replaced by T.
Protein change: p.Arg2402Ter; replaces arginine 2402 with a stop codon.
Molecular consequence: nonsense.
Genome position (GRCh38, 1-based): chr16:2,106,810, G>A on the plus strand (C>T on the coding strand, the complement: PKD1 is on the minus strand). VCF-style: chr16-2106810-G-A. GRCh37 (hg19) VCF-style: chr16-2156811-G-A.
Other names: c.7204C>T, p.Arg2402Ter (NM_000296.4); short protein forms R2402*.
Identifiers: ClinVar variation 586294 (VCV000586294.20), dbSNP rs1567186946, ClinGen allele CA394371426.

ClinVar aggregate classification (germline): Pathogenic. Review status: criteria provided, multiple submitters, no conflicts (2 of 4 stars). 12 submissions from 12 submitters: Pathogenic (11). 1 of the submissions does not count toward it. Last evaluated 2026-06-14.

Conditions:
Autosomal dominant polycystic kidney disease. Identifiers: Orphanet 730, MedGen C0085413, MONDO:0004691.
PKD1-related disorder. Also called: PKD1-related condition.
Polycystic kidney disease, adult type (PKD1). Also called: Polycystic Kidney, Autosomal Dominant; Polycystic Kidney Disease 1, Autosomal Dominant; Polycystic kidney disease 1; Polycystic kidney disease 1, severe; POLYCYSTIC KIDNEY DISEASE, ADULT, TYPE I; POLYCYSTIC KIDNEY DISEASE 1 WITH OR WITHOUT POLYCYSTIC LIVER DISEASE. Identifiers: MedGen C3149841, MONDO:0008263, OMIM 173900.
Cystic renal disease.
Polycystic kidney disease. Also called: Kidney, Polycystic; Polycystic kidney dysplasia. Identifiers: MedGen C0022680, MeSH D007690, MONDO:0020642, HP:0000113.

Submissions (12):

Genetics Laboratory, Great Ormond Street Hospital NHS Foundation Trust, North Thames Genomic Laboratory Hub
Classification: Pathogenic for Cystic renal disease. Last evaluated: 2026-06-14. Review status: criteria provided, single submitter. Criteria: ACGS Best Practice Guidelines for Variant Classification in Rare Disease 2024 v1.2. Collection method: clinical testing. Allele origin: germline. Affected: yes.
Comment: PS4_moderate, PM2_moderate, PVS1_very-strong

PreventionGenetics, part of Exact Sciences
Classification: Pathogenic for PKD1-related condition. Last evaluated: 2025-11-18. Review status: criteria provided, single submitter. Criteria: ACMG Guidelines, 2015. Collection method: clinical testing. Allele origin: germline.
Comment: The PKD1 c.7204C>T variant is predicted to result in premature protein termination (p.Arg2402*). This variant has not been reported in a large population database (gnomAD), indicating this variant is rare. Nonsense variants in PKD1 are expected to be pathogenic. This variant is interpreted as pathogenic.

Institute of Human Genetics, Clinical Exome/Genome Diagnostics Group, University Hospital Bonn
Classification: Pathogenic for Polycystic kidney disease, adult type. Last evaluated: 2024-11-07. Review status: criteria provided, single submitter. Criteria: ACMG Guidelines, 2015. Collection method: clinical testing. Allele origin: germline. Affected: yes.

Molecular Genetics, Royal Melbourne Hospital
Classification: Pathogenic for Autosomal dominant polycystic kidney disease. Last evaluated: 2024-11-04. Review status: criteria provided, single submitter. Criteria: ACMG Guidelines, 2015. Collection method: clinical testing. Allele origin: germline. Inheritance: Autosomal dominant inheritance. Affected: yes.
Comment: This sequence change in PKD1 is a nonsense variant predicted to create a premature stop codon, p.(Arg2402*), in biologically relevant exon 17/46 leading to nonsense-mediated decay in a gene in which loss-of-function is an established disease mechanism (PMID: 25491204, 24694054, 29529603). Loss-of-function variants are a well-established cause of disease in exon 17 (ClinVar). The variant was identified in a single individual in the European (non-Finnish) population in the population database gnomAD v4.1 (1/1,095,188 alleles, note there was a quality flag present for this variant). This variant has been reported in multiple probands with autosomal dominant polycystic kidney disease (PMID: 35778421, 26453610). Based on the classification scheme RMH Modified ACMG/AMP Guidelines v1.7.0, this variant is classified as PATHOGENIC. Following criteria are met: PVS1, PS4, PM2_Supporting, PM5_Supporting

Victorian Clinical Genetics Services, Murdoch Childrens Research Institute
Classification: Pathogenic for Polycystic kidney disease, adult type. Last evaluated: 2024-10-28. Review status: criteria provided, single submitter. Criteria: ACMG Guidelines, 2015. Collection method: clinical testing. Allele origin: germline. Affected: yes.
Comment: This variant is classified as Pathogenic. Evidence in support of pathogenic classification: Variant is predicted to cause nonsense-mediated decay (NMD) and loss of protein (premature termination codon is located at least 54 nucleotides upstream of the final exon-exon junction); Variant is present in gnomAD <0.001 for a dominant condition (v4: 1 heterozygote(s), 0 homozygote(s)); Other NMD-predicted variant(s) comparable to the one identified in this case have very strong previous evidence for pathogenicity (DECIPHER). Additional information: This variant is heterozygous; This gene is associated with autosomal dominant disease. Polycystic kidney disease 1 (MIM#173900) is predominantly caused by monoallelic variants, with rare reports of biallelic variants causing disease (OMIM); Loss of function is a known mechanism of disease in this gene and is associated with polycystic kidney disease 1 (MIM#173900); Inheritance information for this variant is not currently available in this individual.

Fulgent Genetics
Classification: Pathogenic for Polycystic kidney disease, adult type. Last evaluated: 2024-03-12. Review status: criteria provided, single submitter. Criteria: ACMG Guidelines, 2015. Collection method: clinical testing. Allele origin: germline.

Blueprint Genetics
Classification: Pathogenic for PKD1-related disorders. Last evaluated: 2023-05-23. Review status: criteria provided, single submitter. Criteria: ACMG Guidelines, 2015. Collection method: clinical testing. Allele origin: germline. Affected: yes. Observed: 5 variant alleles.

GeneDx
Classification: Pathogenic. Last evaluated: 2022-06-21. Review status: criteria provided, single submitter. Criteria: GeneDx Variant Classification Process June 2021. Collection method: clinical testing. Allele origin: germline. Affected: yes.
Comment: Nonsense variant predicted to result in protein truncation or nonsense mediated decay in a gene for which loss-of-function is a known mechanism of disease; Not observed at significant frequency in large population cohorts (gnomAD); This variant is associated with the following publications: (PMID: 33532864, Izzi2020[abstract], 29529603, 11012875, 29633482, 22508176, 25333066, 25525159)

Molecular Biology Laboratory, Fundació Puigvert
Classification: Pathogenic for Polycystic kidney disease, adult type. Last evaluated: 2020-02-01. Review status: criteria provided, single submitter. Criteria: ACMG Guidelines, 2015. Collection method: research. Allele origin: germline. Affected: yes. Study: KidneyPanel_2020.

Athena Diagnostics
Classification: Pathogenic. Last evaluated: 2018-08-03. Review status: criteria provided, single submitter. Criteria: Athena Diagnostics Criteria. Collection method: clinical testing. Allele origin: germline.

Juno Genomics, Hangzhou Juno Genomics, Inc
Classification: Pathogenic for Polycystic kidney disease, adult type. Review status: criteria provided, single submitter. Criteria: ACMG Guidelines, 2015. Collection method: clinical testing. Allele origin: germline. Affected: yes.
Comment: Null variant in a gene where loss of function (LOF) is a known mechanism of disease.;Absent from controls (or at extremely low frequency if recessive) in Genome Aggregation Database, Exome Sequencing Project, 1000 Genomes Project, or Exome Aggregation Consortium.;The prevalence of the variant in affected individuals is significantly increased compared to the prevalence in controls.;Patient's phenotype or family history is highly specific for a disease with a single genetic etiology.

Department of Pathology and Laboratory Medicine, Sinai Health System
Classification: Pathogenic for Polycystic Kidney disease. Review status: no assertion criteria provided. Collection method: clinical testing. Allele origin: unknown. Affected: yes. Study: The Canadian Open Genetics Repository (COGR). Not counted in ClinVar's aggregate classification.
Comment: The PKD1 p.Arg2402* variant was identified in 7 of 3596 proband chromosomes (frequency: 0.002) from individuals or families with autosomal dominant polycystic kidney disease and was not identified in 110 control chromosomes from healthy individuals (Xu 2018, Neumann 2013, Trujillano 2014, Phakdeekitcharoen 2000, AudrâˆšÂ©zet 2012, Hwang 2016). It was also identified in ClinVar (1x as Pathogenic by one submitter) and in the ADPKD Mutation Database (classified as Definitely Pathogenic). The variant was not identified in dbSNP, LOVD 3.0 or in the PKD1-LOVD databases. It was not identified in the following control databases: the Exome Aggregation Consortium (August 8th 2016), or the Genome Aggregation Database (Feb 27, 2017). The p.Arg2402* variant leads to a premature stop codon at position 2402, which is predicted to lead to a truncated or absent protein and loss of function. Loss of function variants of the PKD1 gene are an established mechanism of disease in autosomal dominant polycystic kidney disease and is the type of variant expected to cause the disorder. In summary, based on the above information this variant meets our laboratoryâ€šÃ„Ã´s criteria to be classified as pathogenic.

Literature cited by the submitters: PubMed 24694054 (cited by Molecular Genetics, Royal Melbourne Hospital); PubMed 25491204 (cited by Molecular Genetics, Royal Melbourne Hospital); PubMed 26453610 (cited by Molecular Genetics, Royal Melbourne Hospital); PubMed 29529603 (cited by Molecular Genetics, Royal Melbourne Hospital and Athena Diagnostics); PubMed 35778421 (cited by Molecular Genetics, Royal Melbourne Hospital); PubMed 33532864 (cited by Molecular Biology Laboratory, Fundació Puigvert); PubMed 25525159 (cited by Athena Diagnostics); PubMed 25333066 (cited by Athena Diagnostics); PubMed 11012875 (cited by Athena Diagnostics).